The following is an entry in ClinVar:

NM_000257.4(MYH7):c.2276G>A (p.Gly759Asp)

Gene: MYH7 (myosin heavy chain 7; minus strand). Cytogenetic location: 14q11.2.
Variant type: single nucleotide variant.
Coding change: c.2276G>A on transcript NM_000257.4 (MANE Select); coding-DNA position 2276, G replaced by A.
Protein change: p.Gly759Asp; replaces glycine 759 with aspartic acid.
Molecular consequence: missense variant.
Genome position (GRCh38, 1-based): chr14:23,425,705, C>T on the plus strand (G>A on the coding strand, the complement: MYH7 is on the minus strand). VCF-style: chr14-23425705-C-T. GRCh37 (hg19) VCF-style: chr14-23894914-C-T.
Other names: c.2276G>A, p.Gly759Asp (NM_001407004.1); short protein forms G759D.
Identifiers: ClinVar variation 1995400 (VCV001995400.4), dbSNP rs2502287919, ClinGen allele CA389048759.
Genomic context (GRCh38, chr14:23,425,705, plus strand): 5'-TCAATGGAAAAGAGATGTCTTCCTTTAATTAATTAGTCTCCTTTCCTCACCTTGGTGTGG[C>T]CAAACTTGTACTGGTTGTGATCAATGTCCAGGGAGCTGAGCAGCTTCTCTGCCCCCTTCC-3'
Protein context (NP_000248.2, residues 749-769): LDIDHNQYKF[Gly759Asp]HTKVFFKAGL

ClinVar aggregate classification (germline): Uncertain significance (1 of 4 stars; one submission).

Conditions:
Hypertrophic cardiomyopathy. Also called: HYPERTROPHIC MYOCARDIOPATHY. Identifiers: Orphanet 217569, MedGen C0007194, MeSH D002312, MONDO:0005045, HP:0001639.

Submission:

Labcorp Genetics (formerly Invitae), Labcorp
Classification: Uncertain significance for Hypertrophic cardiomyopathy. Last evaluated: 2022-06-27. Review status: criteria provided, single submitter. Criteria: Invitae Variant Classification Sherloc (09022015). Collection method: clinical testing. Allele origin: germline.
Comment: In summary, the available evidence is currently insufficient to determine the role of this variant in disease. Therefore, it has been classified as a Variant of Uncertain Significance. This variant is found within a region of MYH7 between codons 181 and 937 that contains the majority of the myosin head domain. Missense variants in this region have been shown to be significantly overrepresented in individuals with hypertrophic cardiomyopathy (PMID: 27532257). Algorithms developed to predict the effect of missense changes on protein structure and function (SIFT, PolyPhen-2, Align-GVGD) all suggest that this variant is likely to be disruptive. This variant has not been reported in the literature in individuals affected with MYH7-related conditions. This sequence change replaces glycine, which is neutral and non-polar, with aspartic acid, which is acidic and polar, at codon 759 of the MYH7 protein (p.Gly759Asp). This variant is not present in population databases (gnomAD no frequency).

Literature cited by the submitters: PubMed 27532257.